The following is an entry in ClinVar:

ClinVar aggregate classification (germline): Pathogenic (1 of 4 stars; one submission).

Conditions:
Kabuki syndrome 2 (KABUK2). Also called: KDM6A-Related Kabuki Syndrome. Identifiers: Orphanet 2322, MedGen C3275495, MONDO:0010465, OMIM 300867.

Submission:

Labcorp Genetics (formerly Invitae), Labcorp
Classification: Pathogenic for Kabuki syndrome 2. Last evaluated: 2023-11-27. Review status: criteria provided, single submitter. Criteria: Invitae Variant Classification Sherloc (09022015). Collection method: clinical testing. Allele origin: germline.
Comment: A gross deletion of the genomic region encompassing the full coding sequence of the KDM6A gene has been identified. Loss-of-function variants in KDM6A are known to be pathogenic (PMID: 23076834, 23913813). The boundaries of this event are unknown as they extend beyond the assayed region for this gene and therefore may encompass additional genes. Isolated whole-gene deletions of KDM6A have not been reported in the literature. However, larger copy number events that include this gene have been reported (PMID: 22197486, 23354975, 25972376). For these reasons, this variant has been classified as Pathogenic.

Literature cited by the submitters: PubMed 23076834; PubMed 23913813; PubMed 22197486; PubMed 23354975; PubMed 25972376.

NC_000023.10:g.(?_43515590)_(44970656_?)del

Genes: DUSP21 (dual specificity phosphatase 21; plus strand), EFHC2 (EF-hand domain containing 2; minus strand), FUNDC1 (FUN14 domain containing 1; minus strand), KDM6A (lysine demethylase 6A; plus strand), MAOA (monoamine oxidase A; plus strand) and 2 more. Cytogenetic location: Xp11.3.
Variant type: Deletion.
Identifiers: ClinVar variation 2426670 (VCV002426670.4).